The following is an entry in ClinVar:

NM_001267550.2(TTN):c.70833G>A (p.Ala23611=)

Genes: TTN (titin; minus strand), TTN-AS1 (TTN antisense RNA 1; plus strand). Cytogenetic location: 2q31.2.
Variant type: single nucleotide variant.
Coding change: c.70833G>A on transcript NM_001267550.2 (MANE Select); coding-DNA position 70833, G replaced by A.
Protein change: p.Ala23611=; no amino-acid change (alanine 23611 retained).
Molecular consequence: synonymous variant.
Genome position (GRCh38, 1-based): chr2:178,575,299, C>T on the plus strand (G>A on the coding strand, the complement: TTN is on the minus strand). VCF-style: chr2-178575299-C-T. GRCh37 (hg19) VCF-style: chr2-179440026-C-T.
Other names: c.65910G>A, p.Ala21970= (NM_001256850.1); c.63129G>A, p.Ala21043= (NM_133378.4); c.43638G>A, p.Ala14546= (NM_003319.4); c.44013G>A, p.Ala14671= (NM_133432.3); c.44214G>A, p.Ala14738= (NM_133437.4).
Identifiers: ClinVar variation 47295 (VCV000047295.31), dbSNP rs377220635, ClinGen allele CA140595.
Genomic context (GRCh38, chr2:178,575,299, plus strand): 5'-TGGAAGCATTGTCTGCTCCTTGACAATGACGGGTCTGCTTTCTCTAGGGGCACTTCTCCC[C>T]GCGCTGTTCACTGCCATCACTTGGAAGGTATATTCCTCTCCTTCAGTTAGATTCCTCACA-3'
Protein context (NP_001254479.2, residues 23601-23621): YTFQVMAVNS[Ala23611=]GRSAPRESRP

ClinVar aggregate classification (germline): Conflicting classifications of pathogenicity. Review status: criteria provided, conflicting classifications (1 of 4 stars). 14 submissions from 10 submitters: Uncertain significance (4); Benign (2); Likely benign (5). 3 of the submissions do not count toward it. Last evaluated 2026-02-03.

Conditions:
TTN-related disorder. Also called: TTN-related disorders; TTN-related condition; TTN-related disease.
Cardiovascular phenotype. Identifiers: MedGen CN230736.
Autosomal recessive limb-girdle muscular dystrophy type 2J (LGMDR10). Also called: Limb-girdle muscular dystrophy, type 2J; MUSCULAR DYSTROPHY, LIMB-GIRDLE, AUTOSOMAL RECESSIVE 10. Identifiers: Orphanet 140922, MedGen C1837342, MONDO:0012127, OMIM 608807.
Dilated cardiomyopathy 1G (CMD1G). Identifiers: Orphanet 154, MedGen C1858763, MONDO:0011400, OMIM 604145.
Early-onset myopathy with fatal cardiomyopathy (CMYO5). Also called: Salih Myopathy; CONGENITAL MYOPATHY 5 WITH CARDIOMYOPATHY. Identifiers: Orphanet 289377, MedGen C2673677, MONDO:0012714, OMIM 611705. Disease mechanism: loss of function.
Myopathy, myofibrillar, 9, with early respiratory failure (MFM9). Also called: EDSTROM MYOPATHY; MYOPATHY, PROXIMAL, WITH EARLY RESPIRATORY MUSCLE INVOLVEMENT; Hereditary myopathy with early respiratory failure; Myopathy, distal, with early respiratory failure, autosomal dominant. Identifiers: Orphanet 178464, Orphanet 34521, MedGen C1863599, MONDO:0011362, OMIM 603689.
Tibial muscular dystrophy (TMD). Also called: Udd Distal Myopathy – Tibial Muscular Dystrophy; UDD MYOPATHY; Tibial muscular dystrophy, tardive. Identifiers: Orphanet 609, MedGen C1838244, MONDO:0010870, OMIM 600334.

Allele frequency attached by ClinVar (database versions not stated): gnomAD 0.00004 and 0.00007; TOPMed 0.00005; ESP Exome Variant Server 0.00008; gnomAD exomes 0.00012 and 0.00013; ExAC 0.00014.
gnomAD v4.1: 194 of 1,613,460 alleles (0.012%); highest among the groups gnomAD compares: East Asian, 0.094%; 1 homozygote.

Submissions (14):

Labcorp Genetics (formerly Invitae), Labcorp
Classification: Likely benign for Dilated cardiomyopathy 1G; Autosomal recessive limb-girdle muscular dystrophy type 2J. Last evaluated: 2026-02-03. Review status: criteria provided, single submitter. Criteria: Invitae Variant Classification Sherloc (09022015). Collection method: clinical testing. Allele origin: germline.

Blueprint Genetics
Classification: Likely benign. Last evaluated: 2024-06-11. Review status: criteria provided, single submitter. Criteria: ACMG Guidelines, 2015. Collection method: clinical testing. Allele origin: germline.

Ambry Genetics
Classification: Likely benign for Cardiovascular phenotype. Last evaluated: 2022-04-03. Review status: criteria provided, single submitter. Criteria: Ambry Variant Classification Scheme 2023. Collection method: clinical testing. Allele origin: germline.

GeneDx
Classification: Likely benign. Last evaluated: 2020-10-28. Review status: criteria provided, single submitter. Criteria: GeneDx Variant Classification Process June 2021. Collection method: clinical testing. Allele origin: germline. Affected: yes.

Illumina Laboratory Services, Illumina
Classification: Uncertain significance for Early-onset myopathy with fatal cardiomyopathy. Last evaluated: 2018-01-13. Review status: criteria provided, single submitter. Criteria: ICSL Variant Classification Criteria 13 December 2019. Collection method: clinical testing. Allele origin: germline.

Illumina Laboratory Services, Illumina
Classification: Uncertain significance for Dilated cardiomyopathy 1G. Last evaluated: 2018-01-13. Review status: criteria provided, single submitter. Criteria: ICSL Variant Classification Criteria 13 December 2019. Collection method: clinical testing. Allele origin: germline.

Illumina Laboratory Services, Illumina
Classification: Benign for Tibial muscular dystrophy. Last evaluated: 2018-01-13. Review status: criteria provided, single submitter. Criteria: ICSL Variant Classification Criteria 13 December 2019. Collection method: clinical testing. Allele origin: germline.
Comment: This variant was observed in the ICSL laboratory as part of a predisposition screen in an ostensibly healthy population. It had not been previously curated by ICSL or reported in the Human Gene Mutation Database (HGMD: prior to June 1st, 2018), and was therefore a candidate for classification through an automated scoring system. Utilizing variant allele frequency, disease prevalence and penetrance estimates, and inheritance mode, an automated score was calculated to assess if this variant is too frequent to cause the disease. Based on the score and internal cut-off values, a variant classified as benign is not then subjected to further curation. The score for this variant resulted in a classification of benign for this disease.

Illumina Laboratory Services, Illumina
Classification: Benign for Myopathy, myofibrillar, 9, with early respiratory failure. Last evaluated: 2018-01-13. Review status: criteria provided, single submitter. Criteria: ICSL Variant Classification Criteria 13 December 2019. Collection method: clinical testing. Allele origin: germline.
Comment: the same text as in the submission from Illumina Laboratory Services, Illumina above.

Illumina Laboratory Services, Illumina
Classification: Uncertain significance for Autosomal recessive limb-girdle muscular dystrophy type 2J. Last evaluated: 2018-01-13. Review status: criteria provided, single submitter. Criteria: ICSL Variant Classification Criteria 13 December 2019. Collection method: clinical testing. Allele origin: germline.

Eurofins Ntd Llc (ga)
Classification: Uncertain significance. Last evaluated: 2017-03-23. Review status: criteria provided, single submitter. Criteria: EGL Classification Definitions 2015. Collection method: clinical testing. Allele origin: germline. Observed: 1 variant allele, 1 heterozygote.

Laboratory for Molecular Medicine, Mass General Brigham Personalized Medicine
Classification: Likely benign. Last evaluated: 2012-05-18. Review status: criteria provided, single submitter. Criteria: LMM Criteria. Collection method: clinical testing. Allele origin: germline. Observed: 1 variant allele.
Comment: Ala21043Ala in exon 275 of TTN: This variant is not expected to have clinical si gnificance because it does not alter an amino acid residue and is not located wi thin the splice consensus sequence. Ala21043Ala in exon 275 of TTN (allele freq uency = n/a)

PreventionGenetics, part of Exact Sciences
Classification: Likely benign for TTN-related condition. Last evaluated: 2021-03-16. Review status: no assertion criteria provided. Collection method: clinical testing. Allele origin: germline. Not counted in ClinVar's aggregate classification.
Comment: This variant is classified as likely benign based on ACMG/AMP sequence variant interpretation guidelines (Richards et al. 2015 PMID: 25741868, with internal and published modifications).

Clinical Genetics DNA and cytogenetics Diagnostics Lab, Erasmus MC, Erasmus Medical Center
Classification: Likely benign. Review status: no assertion criteria provided. Collection method: clinical testing. Allele origin: germline. Affected: yes. Study: VKGL Data-share Consensus. Not counted in ClinVar's aggregate classification.

Genome Diagnostics Laboratory, University Medical Center Utrecht
Classification: Likely benign. Review status: no assertion criteria provided. Collection method: clinical testing. Allele origin: germline. Affected: yes. Study: VKGL Data-share Consensus. Not counted in ClinVar's aggregate classification.